The following is an entry in ClinVar:

NM_000478.6(ALPL):c.858A>G (p.Leu286=)

Gene: ALPL (alkaline phosphatase, biomineralization associated; plus strand). Cytogenetic location: 1p36.12.
Variant type: single nucleotide variant.
Coding change: c.858A>G on transcript NM_000478.6 (MANE Select); coding-DNA position 858, A replaced by G.
Protein change: p.Leu286=; no amino-acid change (leucine 286 retained).
Molecular consequence: synonymous variant.
Genome position (GRCh38, 1-based): chr1:21,570,370, A>G. VCF-style: chr1-21570370-A-G. GRCh37 (hg19) VCF-style: chr1-21896863-A-G.
Other names: c.693A>G, p.Leu231= (NM_001127501.4); c.627A>G, p.Leu209= (NM_001177520.3); c.858A>G, p.Leu286= (NM_001369803.2, NM_001369804.2, NM_001369805.2).
Identifiers: ClinVar variation 585388 (VCV000585388.44), dbSNP rs375027534, ClinGen allele CA666634.

ClinVar aggregate classification (germline): Benign/Likely benign. Review status: criteria provided, multiple submitters, no conflicts (2 of 4 stars). 6 submissions from 6 submitters: Benign (4); Likely benign (1). 1 of the submissions does not count toward it. Last evaluated 2026-02-02.

Conditions:
Hypophosphatasia. Also called: Phosphoethanol-aminuria. Identifiers: Orphanet 436, MedGen C0020630, MeSH D007014, MONDO:0018570.
Osteogenesis imperfecta (OI). Identifiers: Orphanet 666, MedGen C0029434, MeSH D010013, MONDO:0019019.
ALPL-related disorder. Also called: ALPL-related disorders; ALPL-related condition.

Allele frequency attached by ClinVar (database versions not stated): gnomAD 0.00006 and 0.00062; TOPMed 0.00011; gnomAD exomes 0.00178; ExAC 0.00193; 1000 Genomes Project 30x 0.00297; 1000 Genomes Project 0.00300.
gnomAD v4.1: 1,447 of 1,612,892 alleles (0.09%); highest among the groups gnomAD compares: South Asian, 1.5%; 26 homozygotes.

Submissions (6):

Labcorp Genetics (formerly Invitae), Labcorp
Classification: Benign. Last evaluated: 2026-02-02. Review status: criteria provided, single submitter. Criteria: Invitae Variant Classification Sherloc (09022015). Collection method: clinical testing. Allele origin: germline.

CeGaT Center for Human Genetics Tuebingen
Classification: Benign. Last evaluated: 2023-01-01. Review status: criteria provided, single submitter. Criteria: CeGaT Center For Human Genetics Tuebingen Variant Classification Criteria Version 2. Collection method: clinical testing. Allele origin: germline. Affected: yes. Observed: 1 variant allele.
Comment: ALPL: BP4, BP7, BS1, BS2

Genome Diagnostics Laboratory, The Hospital for Sick Children
Classification: Likely benign for Osteogenesis imperfecta. Last evaluated: 2020-02-01. Review status: criteria provided, single submitter. Criteria: ACMG Guidelines, 2015. Collection method: clinical testing. Allele origin: germline.

Illumina Laboratory Services, Illumina
Classification: Benign for Hypophosphatasia. Last evaluated: 2018-01-13. Review status: criteria provided, single submitter. Criteria: ICSL Variant Classification Criteria 13 December 2019. Collection method: clinical testing. Allele origin: germline.
Comment: This variant was observed in the ICSL laboratory as part of a predisposition screen in an ostensibly healthy population. It had not been previously curated by ICSL or reported in the Human Gene Mutation Database (HGMD: prior to June 1st, 2018), and was therefore a candidate for classification through an automated scoring system. Utilizing variant allele frequency, disease prevalence and penetrance estimates, and inheritance mode, an automated score was calculated to assess if this variant is too frequent to cause the disease. Based on the score and internal cut-off values, a variant classified as benign is not then subjected to further curation. The score for this variant resulted in a classification of benign for this disease.

Athena Diagnostics
Classification: Benign. Last evaluated: 2017-12-21. Review status: criteria provided, single submitter. Criteria: Athena Diagnostics Criteria. Collection method: clinical testing. Allele origin: germline.

PreventionGenetics, part of Exact Sciences
Classification: Likely benign for ALPL-related condition. Last evaluated: 2020-03-16. Review status: no assertion criteria provided. Collection method: clinical testing. Allele origin: germline. Not counted in ClinVar's aggregate classification.
Comment: This variant is classified as likely benign based on ACMG/AMP sequence variant interpretation guidelines (Richards et al. 2015 PMID: 25741868, with internal and published modifications).